The following is an entry in ClinVar:

ClinVar aggregate classification (germline): Uncertain significance (1 of 4 stars; one submission).

gnomAD v4.1: 34 of 1,613,522 alleles (0.0021%); highest among the groups gnomAD compares: Non-Finnish European, 0.00017%; 1 homozygote.

Submission:

GeneDx
Classification: Uncertain significance. Last evaluated: 2024-05-29. Review status: criteria provided, single submitter. Criteria: GeneDx Variant Classification Process June 2021. Collection method: clinical testing. Allele origin: germline. Affected: yes.
Comment: In silico analysis supports that this missense variant has a deleterious effect on protein structure/function; Has not been previously published as pathogenic or benign to our knowledge

NM_004100.5(EYA4):c.1739-70A>T

Genes: EYA4 (EYA transcriptional coactivator and phosphatase 4; plus strand), TARID (TCF21 antisense RNA inducing promoter demethylation; minus strand). Cytogenetic location: 6q23.2.
Variant type: single nucleotide variant.
Coding change: c.1739-70A>T on transcript NM_004100.5 (MANE Select); 70 bases into the intron before coding-DNA position 1739, A replaced by T.
Molecular consequence: intron variant. On other transcripts: missense variant (3).
Genome position (GRCh38, 1-based): chr6:133,525,084, A>T. VCF-style: chr6-133525084-A-T. GRCh37 (hg19) VCF-style: chr6-133846222-A-T.
Other names: c.1646A>T, p.Asp549Val (NM_001301012.2); c.1739A>T, p.Asp580Val (NM_001370458.1); c.1808A>T, p.Asp603Val (NM_172105.4); c.1757-70A>T (NM_001301013.2); c.1670-70A>T (NM_172103.4); c.1595-70A>T (NM_001370459.1); short protein forms D549V, D580V, D603V.
Identifiers: ClinVar variation 3383747 (VCV003383747.1).
Genomic context (GRCh38, chr6:133,525,084, plus strand): 5'-GCTGTTTTGAGCGTATAGTGTCCAGATTTGGCACTAACATAACTTATGTTGTGATTGGAG[A>T]TGGCCGAGATGAGGAGCATGCCGCTAACCAGGTAACTTCACTCTGAACTTTATCTCATTT-3'